The following is an entry in ClinVar:

NM_000465.4(BARD1):c.1717A>G (p.Ile573Val)

Gene: BARD1 (BRCA1 associated RING domain 1; minus strand). Cytogenetic location: 2q35.
Variant type: single nucleotide variant.
Coding change: c.1717A>G on transcript NM_000465.4 (MANE Select); coding-DNA position 1717, A replaced by G.
Protein change: p.Ile573Val; replaces isoleucine 573 with valine.
Molecular consequence: missense variant. On other transcripts: non-coding transcript variant (3), intron variant (1).
Genome position (GRCh38, 1-based): chr2:214,745,815, T>C on the plus strand (A>G on the coding strand, the complement: BARD1 is on the minus strand). VCF-style: chr2-214745815-T-C. GRCh37 (hg19) VCF-style: chr2-215610539-T-C.
Other names: c.1660A>G, p.Ile554Val (NM_001282543.2); c.364A>G, p.Ile122Val (NM_001282545.2); c.307A>G, p.Ile103Val (NM_001282548.2); c.365-15307A>G (NM_001282549.2); short protein forms I573V, I554V, I103V, I122V.
Identifiers: ClinVar variation 819898 (VCV000819898.15), dbSNP rs1574739553, ClinGen allele CA350453171.

ClinVar aggregate classification (germline): Uncertain significance. Review status: criteria provided, multiple submitters, no conflicts (2 of 4 stars). 2 submissions from 2 submitters: Uncertain significance (2). Last evaluated 2019-07-24.

Conditions:
Hereditary cancer-predisposing syndrome. Also called: Neoplastic Syndromes, Hereditary; Tumor predisposition; Hereditary Cancer Syndrome; Hereditary neoplastic syndrome. Identifiers: Orphanet 140162, MedGen C0027672, MeSH D009386, MONDO:0015356.
Familial cancer of breast. Also called: BREAST CANCER, FAMILIAL; Hereditary breast cancer; hereditary breast carcinoma. Identifiers: Orphanet 227535, MedGen C0346153, MONDO:0016419, OMIM 114480. Disease mechanism: loss of function.

Submissions (2):

Labcorp Genetics (formerly Invitae), Labcorp
Classification: Uncertain significance for Familial cancer of breast. Last evaluated: 2019-07-24. Review status: criteria provided, single submitter. Criteria: Invitae Variant Classification Sherloc (09022015). Collection method: clinical testing. Allele origin: germline.
Comment: This sequence change replaces isoleucine with valine at codon 573 of the BARD1 protein (p.Ile573Val). The isoleucine residue is highly conserved and there is a small physicochemical difference between isoleucine and valine. This variant is not present in population databases (ExAC no frequency). This variant has not been reported in the literature in individuals with BARD1-related conditions. Algorithms developed to predict the effect of missense changes on protein structure and function (SIFT, PolyPhen-2, Align-GVGD) all suggest that this variant is likely to be tolerated, but these predictions have not been confirmed by published functional studies and their clinical significance is uncertain. In summary, the available evidence is currently insufficient to determine the role of this variant in disease. Therefore, it has been classified as a Variant of Uncertain Significance.

Ambry Genetics
Classification: Uncertain significance for Hereditary cancer-predisposing syndrome. Last evaluated: 2018-06-22. Review status: criteria provided, single submitter. Criteria: Ambry Variant Classification Scheme 2023. Collection method: clinical testing. Allele origin: germline.
Comment: The p.I573V variant (also known as c.1717A>G), located in coding exon 8 of the BARD1 gene, results from an A to G substitution at nucleotide position 1717. The isoleucine at codon 573 is replaced by valine, an amino acid with highly similar properties. This amino acid position is well conserved in available vertebrate species. In addition, this alteration is predicted to be tolerated by in silico analysis. Since supporting evidence is limited at this time, the clinical significance of this alteration remains unclear.